The following is an entry in ClinVar:

NM_001177701.3(IFT27):c.395C>T (p.Ala132Val)

Genes: CACNG2-DT (CACNG2 divergent transcript; plus strand), IFT27 (intraflagellar transport 27; minus strand). Cytogenetic location: 22q12.3.
Variant type: single nucleotide variant.
Coding change: c.395C>T on transcript NM_001177701.3 (MANE Select); coding-DNA position 395, C replaced by T.
Protein change: p.Ala132Val; replaces alanine 132 with valine.
Molecular consequence: missense variant.
Genome position (GRCh38, 1-based): chr22:36,762,971, G>A on the plus strand (C>T on the coding strand, the complement: IFT27 is on the minus strand). VCF-style: chr22-36762971-G-A. GRCh37 (hg19) VCF-style: chr22-37159015-G-A.
Other names: c.395C>T, p.Ala132Val (NM_001363003.2); c.392C>T, p.Ala131Val (NM_006860.5); short protein forms A131V, A132V.
Identifiers: ClinVar variation 1387499 (VCV001387499.8), dbSNP rs2145915379, ClinGen allele CA411381712.

ClinVar aggregate classification (germline): Uncertain significance (1 of 4 stars; one submission).

Submission:

Labcorp Genetics (formerly Invitae), Labcorp
Classification: Uncertain significance. Last evaluated: 2021-04-13. Review status: criteria provided, single submitter. Criteria: Invitae Variant Classification Sherloc (09022015). Collection method: clinical testing. Allele origin: germline.
Comment: In summary, the available evidence is currently insufficient to determine the role of this variant in disease. Therefore, it has been classified as a Variant of Uncertain Significance. Advanced modeling of protein sequence and biophysical properties (such as structural, functional, and spatial information, amino acid conservation, physicochemical variation, residue mobility, and thermodynamic stability) performed at Invitae indicates that this missense variant is not expected to disrupt IFT27 protein function. This variant has not been reported in the literature in individuals with IFT27-related conditions. This variant is not present in population databases (ExAC no frequency). This sequence change replaces alanine with valine at codon 131 of the IFT27 protein (p.Ala131Val). The alanine residue is weakly conserved and there is a small physicochemical difference between alanine and valine.